The following is an entry in ClinVar:

ClinVar aggregate classification (germline): Uncertain significance. Review status: criteria provided, multiple submitters, no conflicts (2 of 4 stars). 2 submissions from 2 submitters: Uncertain significance (2). Last evaluated 2022-08-16.

Conditions:
Jeune thoracic dystrophy. Also called: Jeune syndrome; Infantile thoracic dystrophy; Thoracic pelvic phalangeal dystrophy; Jeune's syndrome; Chondroectodermal dysplasia-like syndrome; Short-rib thoracic dysplasia. Identifiers: Orphanet 474, MedGen C0265275, MONDO:0018770.
Inborn genetic diseases. Identifiers: MedGen C0950123, MeSH D030342.

Allele frequency attached by ClinVar (database versions not stated): gnomAD exomes 0.00002; ExAC 0.00003.
gnomAD v4.1: 9 of 1,612,718 alleles (0.00056%); highest among the groups gnomAD compares: Non-Finnish European, 0.00059%; no homozygotes.

Submissions (2):

Ambry Genetics
Classification: Uncertain significance for Inborn genetic diseases. Last evaluated: 2022-08-16. Review status: criteria provided, single submitter. Criteria: Ambry Variant Classification Scheme 2023. Collection method: clinical testing. Allele origin: germline.

Labcorp Genetics (formerly Invitae), Labcorp
Classification: Uncertain significance for Jeune thoracic dystrophy. Last evaluated: 2022-08-16. Review status: criteria provided, single submitter. Criteria: Invitae Variant Classification Sherloc (09022015). Collection method: clinical testing. Allele origin: germline.
Comment: This variant is present in population databases (rs747268336, gnomAD 0.004%). This sequence change replaces leucine, which is neutral and non-polar, with isoleucine, which is neutral and non-polar, at codon 3672 of the DYNC2H1 protein (p.Leu3672Ile). This variant has not been reported in the literature in individuals affected with DYNC2H1-related conditions. ClinVar contains an entry for this variant (Variation ID: 1446873). Advanced modeling of protein sequence and biophysical properties (such as structural, functional, and spatial information, amino acid conservation, physicochemical variation, residue mobility, and thermodynamic stability) performed at Invitae indicates that this missense variant is not expected to disrupt DYNC2H1 protein function. In summary, the available evidence is currently insufficient to determine the role of this variant in disease. Therefore, it has been classified as a Variant of Uncertain Significance.

NM_001377.3(DYNC2H1):c.10993C>A (p.Leu3665Ile)

Gene: DYNC2H1 (dynein cytoplasmic 2 heavy chain 1; plus strand). Cytogenetic location: 11q22.3.
Variant type: single nucleotide variant.
Coding change: c.10993C>A on transcript NM_001377.3 (MANE Select); coding-DNA position 10993, C replaced by A.
Protein change: p.Leu3665Ile; replaces leucine 3665 with isoleucine.
Molecular consequence: missense variant.
Genome position (GRCh38, 1-based): chr11:103,286,357, C>A. VCF-style: chr11-103286357-C-A. GRCh37 (hg19) VCF-style: chr11-103157086-C-A.
Other names: c.11014C>A, p.Leu3672Ile (NM_001080463.2); c.11014C>A (NM_001080463.1); short protein forms L3672I, L3665I.
Identifiers: ClinVar variation 1446873 (VCV001446873.6), dbSNP rs747268336, ClinGen allele CA6255131.